The following is an entry in ClinVar:

ClinVar aggregate classification (germline): Uncertain significance. Review status: criteria provided, multiple submitters, no conflicts (2 of 4 stars). 4 submissions from 4 submitters: Uncertain significance (4). Last evaluated 2024-10-07.

Conditions:
Inborn genetic diseases. Identifiers: MedGen C0950123, MeSH D030342.
Sulfite oxidase deficiency due to molybdenum cofactor deficiency type A. Also called: Molybdenum Cofactor Deficiency A; Molybdenum cofactor deficiency, complementation group A. Identifiers: Orphanet 308386, Orphanet 833, MedGen C1854988, MONDO:0009643, OMIM 252150.

Allele frequency attached by ClinVar (database versions not stated): gnomAD exomes 0.00002; TOPMed 0.00002; ExAC 0.00003; gnomAD 0.00003.

Submissions (4):

Labcorp Genetics (formerly Invitae), Labcorp
Classification: Uncertain significance for Sulfite oxidase deficiency due to molybdenum cofactor deficiency type A. Last evaluated: 2024-10-07. Review status: criteria provided, single submitter. Criteria: Invitae Variant Classification Sherloc (09022015). Collection method: clinical testing. Allele origin: germline.
Comment: This sequence change replaces arginine, which is basic and polar, with glutamine, which is neutral and polar, at codon 67 of the MOCS1 protein (p.Arg67Gln). This variant is present in population databases (rs766961404, gnomAD 0.005%). This variant has not been reported in the literature in individuals affected with MOCS1-related conditions. ClinVar contains an entry for this variant (Variation ID: 624246). An algorithm developed to predict the effect of missense changes on protein structure and function (PolyPhen-2) suggests that this variant is likely to be disruptive. In summary, the available evidence is currently insufficient to determine the role of this variant in disease. Therefore, it has been classified as a Variant of Uncertain Significance.

Fulgent Genetics
Classification: Uncertain significance for Sulfite oxidase deficiency due to molybdenum cofactor deficiency type A. Last evaluated: 2024-02-20. Review status: criteria provided, single submitter. Criteria: ACMG Guidelines, 2015. Collection method: clinical testing. Allele origin: germline.

Ambry Genetics
Classification: Uncertain significance for Inborn genetic diseases. Last evaluated: 2022-11-08. Review status: criteria provided, single submitter. Criteria: Ambry Variant Classification Scheme 2023. Collection method: clinical testing. Allele origin: germline.

CeGaT Center for Human Genetics Tuebingen
Classification: Uncertain significance. Last evaluated: 2018-05-01. Review status: criteria provided, single submitter. Criteria: CeGaT Center For Human Genetics Tuebingen Variant Classification Criteria Version 2. Collection method: clinical testing. Allele origin: germline. Affected: yes. Observed: 3 variant alleles.

NM_001358530.2(MOCS1):c.200G>A (p.Arg67Gln)

Gene: MOCS1 (molybdenum cofactor synthesis 1; minus strand). Cytogenetic location: 6p21.2.
Variant type: single nucleotide variant.
Coding change: c.200G>A on transcript NM_001358530.2 (MANE Select); coding-DNA position 200, G replaced by A.
Protein change: p.Arg67Gln; replaces arginine 67 with glutamine.
Molecular consequence: missense variant. On other transcripts: 5 prime UTR variant (1), intron variant (2).
Genome position (GRCh38, 1-based): chr6:39,927,379, C>T on the plus strand (G>A on the coding strand, the complement: MOCS1 is on the minus strand). VCF-style: chr6-39927379-C-T. GRCh37 (hg19) VCF-style: chr6-39895118-C-T.
Other names: c.200G>A, p.Arg67Gln (NM_001075098.4, NM_001358529.2, NM_005943.6); c.-62G>A (NM_001358534.2); c.-11-1534G>A (NM_001358531.2, NM_001358533.2); c.200G>A (NM_005943.5); short protein forms R67Q.
Identifiers: ClinVar variation 624246 (VCV000624246.50), dbSNP rs766961404, ClinGen allele CA3796408.
Genomic context (GRCh38, chr6:39,927,379, plus strand): 5'-GGTGACTCACATCTGAGGTTGCACTTCTCTGTGAGGGAGATCCGCAGGTAGCTGTGCTGC[C>T]GGCCGAAGCTGTCTGTGAGGAAGGCGGAGAAGGGGGCCGCATGCTCCCGCAGGAACTGCC-3'
Protein context (NP_001345459.1, residues 57-77): FSAFLTDSFG[Arg67Gln]QHSYLRISLT